The following is an entry in ClinVar:

ClinVar aggregate classification (germline): Uncertain significance (1 of 4 stars; one submission).

Allele frequency attached by ClinVar (database versions not stated): ESP Exome Variant Server 0.00008; TOPMed 0.00002; ExAC 0.00003; gnomAD exomes 0.00001; gnomAD 0.00005; 1000 Genomes Project 30x 0.00078; 1000 Genomes Project 0.00100.
gnomAD v4.1: 20 of 1,613,308 alleles (0.0012%); highest among the groups gnomAD compares: African/African-American, 0.024%; 1 homozygote.

Submission:

Labcorp Genetics (formerly Invitae), Labcorp
Classification: Uncertain significance. Last evaluated: 2026-01-18. Review status: criteria provided, single submitter. Criteria: Invitae Variant Classification Sherloc (09022015). Collection method: clinical testing. Allele origin: germline.
Comment: This sequence change replaces lysine, which is basic and polar, with arginine, which is basic and polar, at codon 175 of the ARHGEF1 protein (p.Lys175Arg). This variant is present in population databases (rs199623203, gnomAD 0.03%). This variant has not been reported in the literature in individuals affected with ARHGEF1-related conditions. ClinVar contains an entry for this variant (Variation ID: 2998147). An algorithm developed to predict the effect of missense changes on protein structure and function (PolyPhen-2) suggests that this variant is likely to be disruptive. In summary, the available evidence is currently insufficient to determine the role of this variant in disease. Therefore, it has been classified as a Variant of Uncertain Significance.

NM_004706.4(ARHGEF1):c.479A>G (p.Lys160Arg)

Gene: ARHGEF1 (Rho guanine nucleotide exchange factor 1; plus strand). Cytogenetic location: 19q13.2.
Variant type: single nucleotide variant.
Coding change: c.479A>G on transcript NM_004706.4 (MANE Select); coding-DNA position 479, A replaced by G.
Protein change: p.Lys160Arg; replaces lysine 160 with arginine.
Molecular consequence: missense variant. On other transcripts: non-coding transcript variant (2).
Genome position (GRCh38, 1-based): chr19:41,892,714, A>G. VCF-style: chr19-41892714-A-G. GRCh37 (hg19) VCF-style: chr19-42396785-A-G.
Other names: c.479A>G, p.Lys160Arg (NM_001396000.1, NM_001396003.1, NM_001396006.1); c.380A>G, p.Lys127Arg (NM_001396002.1, NM_001396004.1, NM_198977.2); c.524A>G, p.Lys175Arg (NM_199002.2); short protein forms K175R, K127R, K160R.
Identifiers: ClinVar variation 2998147 (VCV002998147.3), dbSNP rs199623203, ClinGen allele CA9465926.